The following is an entry in ClinVar:

ClinVar aggregate classification (germline): Likely benign. Review status: criteria provided, multiple submitters, no conflicts (2 of 4 stars). 3 submissions from 3 submitters: Likely benign (3). Last evaluated 2024-10-16.

Conditions:
Biotinidase deficiency. Also called: Biotin deficiency; BTD deficiency; Late-onset biotin-responsive multiple carboxylase deficiency. Identifiers: Orphanet 79241, MedGen C0220754, MONDO:0009665, OMIM 253260.

Allele frequency attached by ClinVar (database versions not stated): gnomAD exomes below 0.00001 and 0.00001; ExAC 0.00001.
gnomAD v4.1: 18 of 1,614,128 alleles (0.0011%); highest among the groups gnomAD compares: East Asian, 0.0022%; no homozygotes.

Submissions (3):

Labcorp Genetics (formerly Invitae), Labcorp
Classification: Likely benign for Biotinidase deficiency. Last evaluated: 2024-10-16. Review status: criteria provided, single submitter. Criteria: Invitae Variant Classification Sherloc (09022015). Collection method: clinical testing. Allele origin: germline.

CeGaT Center for Human Genetics Tuebingen
Classification: Likely benign. Last evaluated: 2022-04-01. Review status: criteria provided, single submitter. Criteria: CeGaT Center For Human Genetics Tuebingen Variant Classification Criteria Version 2. Collection method: clinical testing. Allele origin: germline. Affected: yes. Observed: 1 variant allele.
Comment: BTD: BP4, BP7

Blueprint Genetics
Classification: Likely benign. Last evaluated: 2022-01-17. Review status: criteria provided, single submitter. Criteria: ACMG Guidelines, 2015. Collection method: clinical testing. Allele origin: germline.

NM_001370658.1(BTD):c.99C>T (p.His33=)

Gene: BTD (biotinidase; plus strand). Cytogenetic location: 3p25.1.
Variant type: single nucleotide variant.
Coding change: c.99C>T on transcript NM_001370658.1 (MANE Select); coding-DNA position 99, C replaced by T.
Protein change: p.His33=; no amino-acid change (histidine 33 retained).
Molecular consequence: synonymous variant.
Genome position (GRCh38, 1-based): chr3:15,635,538, C>T. VCF-style: chr3-15635538-C-T. GRCh37 (hg19) VCF-style: chr3-15677045-C-T.
Other names: c.159C>T, p.His53= (NM_000060.4); c.99C>T, p.His33= (NM_001281723.4, NM_001281724.3, NM_001281725.3 and 37 more transcripts).
Identifiers: ClinVar variation 1576673 (VCV001576673.34), dbSNP rs397514337, ClinGen allele CA2277252.